The following is an entry in ClinVar:

NM_000283.4(PDE6B):c.1107+6T>G

Gene: PDE6B (phosphodiesterase 6B; plus strand). Cytogenetic location: 4p16.3.
Variant type: single nucleotide variant.
Coding change: c.1107+6T>G on transcript NM_000283.4 (MANE Select); 6 bases into the intron after coding-DNA position 1107, T replaced by G.
Molecular consequence: intron variant.
Genome position (GRCh38, 1-based): chr4:656,298, T>G. VCF-style: chr4-656298-T-G. GRCh37 (hg19) VCF-style: chr4-650087-T-G.
Other names: c.1107+6T>G (NM_001145291.2); c.270+6T>G (NM_001379246.1, NM_001379247.1, NM_001145292.2 and 1 more transcripts); c.-48-576T>G (NM_001350155.3).
Identifiers: ClinVar variation 1018242 (VCV001018242.6), dbSNP rs1736232746, ClinGen allele CA1432847857.

ClinVar aggregate classification (germline): Uncertain significance (1 of 4 stars; one submission).

Submission:

Labcorp Genetics (formerly Invitae), Labcorp
Classification: Uncertain significance. Last evaluated: 2022-10-28. Review status: criteria provided, single submitter. Criteria: Invitae Variant Classification Sherloc (09022015). Collection method: clinical testing. Allele origin: germline.
Comment: Variants that disrupt the consensus splice site are a relatively common cause of aberrant splicing (PMID: 17576681, 9536098). Algorithms developed to predict the effect of sequence changes on RNA splicing suggest that this variant is not likely to affect RNA splicing. ClinVar contains an entry for this variant (Variation ID: 1018242). This variant has not been reported in the literature in individuals affected with PDE6B-related conditions. This variant is not present in population databases (gnomAD no frequency). This sequence change falls in intron 8 of the PDE6B gene. It does not directly change the encoded amino acid sequence of the PDE6B protein. It affects a nucleotide within the consensus splice site. In summary, the available evidence is currently insufficient to determine the role of this variant in disease. Therefore, it has been classified as a Variant of Uncertain Significance.

Literature cited by the submitters: PubMed 17576681; PubMed 9536098.